The following is an entry in ClinVar:

ClinVar aggregate classification (germline): Uncertain significance (1 of 4 stars; one submission).

gnomAD v4.1: 1 of 1,500,368 alleles (0.000067%); highest among the groups gnomAD compares: Non-Finnish European, 0.000089%; no homozygotes.

Submission:

Labcorp Genetics (formerly Invitae), Labcorp
Classification: Uncertain significance. Last evaluated: 2024-12-02. Review status: criteria provided, single submitter. Criteria: Invitae Variant Classification Sherloc (09022015). Collection method: clinical testing. Allele origin: germline.
Comment: This sequence change replaces alanine, which is neutral and non-polar, with threonine, which is neutral and polar, at codon 149 of the WNT5A protein (p.Ala149Thr). The frequency data for this variant in the population databases is considered unreliable, as metrics indicate poor data quality at this position in the gnomAD database. This variant has not been reported in the literature in individuals affected with WNT5A-related conditions. ClinVar contains an entry for this variant (Variation ID: 2000581). Invitae Evidence Modeling of protein sequence and biophysical properties (such as structural, functional, and spatial information, amino acid conservation, physicochemical variation, residue mobility, and thermodynamic stability) indicates that this missense variant is not expected to disrupt WNT5A protein function with a negative predictive value of 80%. In summary, the available evidence is currently insufficient to determine the role of this variant in disease. Therefore, it has been classified as a Variant of Uncertain Significance.

NM_003392.7(WNT5A):c.445G>A (p.Ala149Thr)

Gene: WNT5A (Wnt family member 5A; minus strand). Cytogenetic location: 3p14.3.
Variant type: single nucleotide variant.
Coding change: c.445G>A on transcript NM_003392.7 (MANE Select); coding-DNA position 445, G replaced by A.
Protein change: p.Ala149Thr; replaces alanine 149 with threonine.
Molecular consequence: missense variant.
Genome position (GRCh38, 1-based): chr3:55,474,576, C>T on the plus strand (G>A on the coding strand, the complement: WNT5A is on the minus strand). VCF-style: chr3-55474576-C-T. GRCh37 (hg19) VCF-style: chr3-55508604-C-T.
Other names: c.400G>A, p.Ala134Thr (NM_001256105.1, NM_001377271.1, NM_001377272.1); short protein forms A134T, A149T.
Identifiers: ClinVar variation 2000581 (VCV002000581.4), dbSNP rs1335027961, ClinGen allele CA353275706.